The following is an entry in ClinVar:

ClinVar aggregate classification (germline): Benign/Likely benign. Review status: criteria provided, multiple submitters, no conflicts (2 of 4 stars). 4 submissions from 4 submitters: Benign (1); Likely benign (3). Last evaluated 2025-11-25.

Conditions:
Hereditary cancer-predisposing syndrome. Also called: Neoplastic Syndromes, Hereditary; Tumor predisposition; Hereditary Cancer Syndrome; Hereditary neoplastic syndrome. Identifiers: Orphanet 140162, MedGen C0027672, MeSH D009386, MONDO:0015356.
BAP1-related tumor predisposition syndrome (TPDS1). Also called: BAP1 tumor predisposition syndrome; COMMON Syndrome; TUMOR PREDISPOSITION SYNDROME 1; Tumor susceptibility linked to germline BAP1 mutations. Identifiers: Orphanet 289539, MedGen C3280492, MONDO:0013692, OMIM 614327.

Allele frequency attached by ClinVar (database versions not stated): gnomAD exomes below 0.00001; gnomAD 0.00001; TOPMed 0.00002.
gnomAD v4.1: 9 of 1,612,212 alleles (0.00056%); highest among the groups gnomAD compares: African/African-American, 0.0027%; no homozygotes.

Submissions (4):

Labcorp Genetics (formerly Invitae), Labcorp
Classification: Likely benign for BAP1-related tumor predisposition syndrome. Last evaluated: 2025-11-25. Review status: criteria provided, single submitter. Criteria: Invitae Variant Classification Sherloc (09022015). Collection method: clinical testing. Allele origin: germline.

Myriad Genetics, Inc.
Classification: Benign for BAP1-related tumor predisposition syndrome. Last evaluated: 2024-07-11. Review status: criteria provided, single submitter. Criteria: Myriad Autosomal Dominant, Autosomal Recessive and X-Linked Classification Criteria (2023). Collection method: clinical testing. Allele origin: unknown.
Comment: This variant is considered benign. This variant is a silent/synonymous amino acid change and it is not expected to impact splicing.

Ambry Genetics
Classification: Likely benign for Hereditary cancer-predisposing syndrome. Last evaluated: 2020-02-10. Review status: criteria provided, single submitter. Criteria: Ambry Variant Classification Scheme 2023. Collection method: clinical testing. Allele origin: germline.

Color Diagnostics, LLC DBA Color Health
Classification: Likely benign for Hereditary cancer-predisposing syndrome. Last evaluated: 2018-03-28. Review status: criteria provided, single submitter. Criteria: ACMG Guidelines, 2015. Collection method: clinical testing. Allele origin: germline.

NM_004656.4(BAP1):c.216T>C (p.Ile72=)

Gene: BAP1 (BRCA1 associated deubiquitinase 1; minus strand). Cytogenetic location: 3p21.1.
Variant type: single nucleotide variant.
Coding change: c.216T>C on transcript NM_004656.4 (MANE Select); coding-DNA position 216, T replaced by C.
Protein change: p.Ile72=; no amino-acid change (isoleucine 72 retained).
Molecular consequence: synonymous variant.
Genome position (GRCh38, 1-based): chr3:52,408,513, A>G on the plus strand (T>C on the coding strand, the complement: BAP1 is on the minus strand). VCF-style: chr3-52408513-A-G. GRCh37 (hg19) VCF-style: chr3-52442529-A-G.
Identifiers: ClinVar variation 472692 (VCV000472692.12), dbSNP rs1257200755, ClinGen allele CA433778147.
Genomic context (GRCh38, chr3:52,408,513, plus strand): 5'-AAAGCACAGAGTCCAGCAGACCTGGTGGGCAAAGAACATGTTATTCACAATATCATCATC[A>G]ATCACGGACGTATCATCCACCAAGGTAGAGACCTTTCGCCGGGACCGGCGCTCTTCGATC-3'
Protein context (NP_004647.1, residues 62-82): VSTLVDDTSV[Ile72=]DDDIVNNMFF